The following is an entry in ClinVar:

NM_001386140.1(MTTP):c.2142G>C (p.Met714Ile)

Gene: MTTP (microsomal triglyceride transfer protein; plus strand). Cytogenetic location: 4q23.
Variant type: single nucleotide variant.
Coding change: c.2142G>C on transcript NM_001386140.1 (MANE Select); coding-DNA position 2142, G replaced by C.
Protein change: p.Met714Ile; replaces methionine 714 with isoleucine.
Molecular consequence: missense variant.
Genome position (GRCh38, 1-based): chr4:99,613,065, G>C. VCF-style: chr4-99613065-G-C. GRCh37 (hg19) VCF-style: chr4-100534222-G-C.
Other names: c.2142G>C, p.Met714Ile (NM_000253.4); c.1893G>C, p.Met631Ile (NM_001300785.2); short protein forms M631I, M714I.
Identifiers: ClinVar variation 2081763 (VCV002081763.2), dbSNP rs747741884, ClinGen allele CA3022293.

ClinVar aggregate classification (germline): Uncertain significance (1 of 4 stars; one submission).

Allele frequency attached by ClinVar (database versions not stated): gnomAD 0.00001; gnomAD exomes 0.00001; ExAC 0.00002; TOPMed 0.00004.
gnomAD v4.1: 12 of 1,613,944 alleles (0.00074%); highest among the groups gnomAD compares: Admixed American, 0.012%; no homozygotes.

Submission:

Labcorp Genetics (formerly Invitae), Labcorp
Classification: Uncertain significance. Last evaluated: 2024-10-25. Review status: criteria provided, single submitter. Criteria: Invitae Variant Classification Sherloc (09022015). Collection method: clinical testing. Allele origin: germline.
Comment: This sequence change replaces methionine, which is neutral and non-polar, with isoleucine, which is neutral and non-polar, at codon 714 of the MTTP protein (p.Met714Ile). This variant is present in population databases (rs747741884, gnomAD 0.006%). This variant has not been reported in the literature in individuals affected with MTTP-related conditions. ClinVar contains an entry for this variant (Variation ID: 2081763). Invitae Evidence Modeling of protein sequence and biophysical properties (such as structural, functional, and spatial information, amino acid conservation, physicochemical variation, residue mobility, and thermodynamic stability) indicates that this missense variant is expected to disrupt MTTP protein function with a positive predictive value of 80%. In summary, the available evidence is currently insufficient to determine the role of this variant in disease. Therefore, it has been classified as a Variant of Uncertain Significance.